The following is an entry in ClinVar:

ClinVar aggregate classification (germline): Benign. Review status: reviewed by expert panel (3 of 4 stars). 22 submissions from 22 submitters: Benign (1). 21 of the submissions do not count toward it. Last evaluated 2015-08-10.

Conditions:
Fanconi anemia, complementation group S (FANCS). Identifiers: MedGen C4554406, MONDO:0054748, OMIM 617883.
BRCA1-related disorder. Also called: BRCA1-related condition.
Hereditary cancer-predisposing syndrome. Also called: Hereditary Cancer Syndrome; Tumor predisposition; Neoplastic Syndromes, Hereditary; Hereditary neoplastic syndrome. Identifiers: Orphanet 140162, MedGen C0027672, MeSH D009386, MONDO:0015356.
Breast and/or ovarian cancer. Identifiers: MedGen CN221562.
Hereditary breast ovarian cancer syndrome. Also called: Breast and ovarian cancer; BRCA1- and BRCA2-Associated Hereditary Breast and Ovarian Cancer; Hereditary breast and ovarian cancer; Hereditary breast and ovarian cancer syndrome (HBOC); Hereditary breast and ovarian cancer syndrome; Hereditary breast and/or ovarian cancer syndrome. Identifiers: Orphanet 145, MedGen C0677776, MeSH D061325, MONDO:0003582. Disease mechanism: loss of function.
Breast-ovarian cancer, familial, susceptibility to, 1 (BROVCA1). Also called: BRCA1 Hereditary Breast and Ovarian Cancer; OVARIAN CANCER, SUSCEPTIBILITY TO. Identifiers: Orphanet 145, MedGen C2676676, MONDO:0011450, OMIM 604370. Disease mechanism: loss of function.

Allele frequency attached by ClinVar (database versions not stated): gnomAD 0.00004 and 0.00005; gnomAD exomes 0.00005 and 0.00007; TOPMed 0.00005; ExAC 0.00007; 1000 Genomes Project 0.00020; ESP Exome Variant Server 0.00008; 1000 Genomes Project 30x 0.00016.

Submissions 1 to 17 of 22:

Evidence-based Network for the Interpretation of Germline Mutant Alleles (ENIGMA)
Classification: Benign for Breast-ovarian cancer, familial 1. Last evaluated: 2015-08-10. Review status: reviewed by expert panel. Criteria: ENIGMA BRCA1/2 Classification Criteria (2015). Collection method: curation. Allele origin: germline.
Comment: IARC class based on posterior probability from multifactorial likelihood analysis, thresholds for class as per Plon et al. 2008 (PMID: 18951446). Class 1 based on posterior probability = 0.00000106

PreventionGenetics, part of Exact Sciences
Classification: Likely benign for BRCA1-related condition. Last evaluated: 2026-09-17. Review status: criteria provided, single submitter. Criteria: ACMG Guidelines, 2015. Collection method: clinical testing. Allele origin: germline. Not counted in ClinVar's aggregate classification.
Comment: This variant is classified as likely benign based on ACMG/AMP sequence variant interpretation guidelines (Richards et al. 2015 PMID: 25741868, with internal and published modifications).

CeGaT Center for Human Genetics Tuebingen
Classification: Likely benign. Last evaluated: 2026-05-01. Review status: criteria provided, single submitter. Criteria: CeGaT Center For Human Genetics Tuebingen Variant Classification Criteria Version 2. Collection method: clinical testing. Allele origin: germline. Affected: yes. Observed: 3 variant alleles. Not counted in ClinVar's aggregate classification.
Comment: BRCA1: BP1, BP2

Labcorp Genetics (formerly Invitae), Labcorp
Classification: Benign for Hereditary breast ovarian cancer syndrome. Last evaluated: 2026-01-20. Review status: criteria provided, single submitter. Criteria: Invitae Variant Classification Sherloc (09022015). Collection method: clinical testing. Allele origin: germline. Not counted in ClinVar's aggregate classification.

ARUP Laboratories, Molecular Genetics and Genomics, ARUP Laboratories
Classification: Benign. Last evaluated: 2025-02-04. Review status: criteria provided, single submitter. Criteria: ARUP Molecular Germline Variant Investigation Process 2024. Collection method: clinical testing. Allele origin: germline. Not counted in ClinVar's aggregate classification.

KCCC/NGS Laboratory, Kuwait Cancer Control Center
Classification: Benign for Breast-ovarian cancer, familial, susceptibility to, 1. Last evaluated: 2023-07-07. Review status: criteria provided, single submitter. Criteria: ACMG Guidelines, 2015. Collection method: clinical testing. Allele origin: germline. Affected: yes. Not counted in ClinVar's aggregate classification.

CHEO Genetics Diagnostic Laboratory, Children's Hospital of Eastern Ontario
Classification: Likely benign for Breast and/or ovarian cancer. Last evaluated: 2022-02-16. Review status: criteria provided, single submitter. Criteria: ACMG Guidelines, 2015. Collection method: clinical testing. Allele origin: germline. Not counted in ClinVar's aggregate classification.

Department of Pathology and Laboratory Medicine, Sinai Health System
Classification: Likely benign for Fanconi anemia, complementation group S. Last evaluated: 2022-01-26. Review status: criteria provided, single submitter. Criteria: ACMG Guidelines, 2015. Collection method: clinical testing. Allele origin: germline. Affected: yes. Not counted in ClinVar's aggregate classification.

National Health Laboratory Service, Universitas Academic Hospital and University of the Free State
Classification: Benign for Hereditary breast ovarian cancer syndrome. Last evaluated: 2021-11-16. Review status: criteria provided, single submitter. Criteria: ACMG Guidelines, 2015. Collection method: clinical testing. Allele origin: germline. Affected: yes. Observed: 1 variant allele. Not counted in ClinVar's aggregate classification.

Sema4
Classification: Likely benign for Hereditary cancer-predisposing syndrome. Last evaluated: 2021-10-22. Review status: criteria provided, single submitter. Criteria: Sema4 Curation Guidelines. Collection method: curation. Allele origin: germline. Not counted in ClinVar's aggregate classification.

Genetic Services Laboratory, University of Chicago
Classification: Likely benign. Last evaluated: 2021-08-11. Review status: criteria provided, single submitter. Criteria: ACMG Guidelines, 2015. Collection method: clinical testing. Allele origin: germline. Affected: no. Not counted in ClinVar's aggregate classification.

GeneDx
Classification: Likely benign. Last evaluated: 2020-12-03. Review status: criteria provided, single submitter. Criteria: GeneDx Variant Classification Process June 2021. Collection method: clinical testing. Allele origin: germline. Affected: yes. Not counted in ClinVar's aggregate classification.
Comment: In silico analysis supports that this missense variant has a deleterious effect on protein structure/function; This variant is associated with the following publications: (PMID: 32548945, 30287823, 18779604, 22753008, 9333265, 21990134, 17924331, 26543556, 16014699, 20858050, 15235020, 25637381, 24728327)

Mendelics
Classification: Benign for Breast-ovarian cancer, familial, susceptibility to, 1. Last evaluated: 2019-05-28. Review status: criteria provided, single submitter. Criteria: Mendelics Assertion Criteria 2017. Collection method: clinical testing. Allele origin: unknown. Not counted in ClinVar's aggregate classification.

Illumina Laboratory Services, Illumina
Classification: Likely benign for Breast-ovarian cancer, familial, susceptibility to, 1. Last evaluated: 2017-04-28. Review status: criteria provided, single submitter. Criteria: ICSL Variant Classification Criteria 13 December 2019. Collection method: clinical testing. Allele origin: germline. Not counted in ClinVar's aggregate classification.
Comment: This variant was observed as part of a predisposition screen in an ostensibly healthy population. A literature search was performed for the gene, cDNA change, and amino acid change (where applicable). Publications were found based on this search. The evidence from the literature, in combination with allele frequency data from public databases where available, was sufficient to determine this variant is unlikely to cause disease. Therefore, this variant is classified as likely benign.

Color Diagnostics, LLC DBA Color Health
Classification: Benign for Hereditary cancer-predisposing syndrome. Last evaluated: 2016-11-15. Review status: criteria provided, single submitter. Criteria: ACMG Guidelines, 2015. Collection method: clinical testing. Allele origin: germline. Not counted in ClinVar's aggregate classification.

Women's Health and Genetics/Laboratory Corporation of America, LabCorp
Classification: Benign. Last evaluated: 2016-03-25. Review status: criteria provided, single submitter. Criteria: LabCorp Variant Classification Summary - May 2015. Collection method: clinical testing. Allele origin: germline. Not counted in ClinVar's aggregate classification.
Comment: Variant Summary: The c.1511G>A variant involves the alteration of a non-conserved nucleotide and 3/4 in silico tools predict a benign outcome. The variant was observed in the large and broad cohorts of the ExAC project at an allele frequency of 0.007% (8/121170), which does not exceed the maximal expected allele frequency for a pathogenic variant in BRCA1 (0.10%). However, the frequency data should still suggest that this variant is likely to be a rare polymorphism. The variant has been reported to co-occur with many deleterious pathogenic variants in BRCA1, such as c.70_80del (8 times in BIC), c.78_79insCATCTG (1 time in BIC) and p.Ser510Ter (1 time in BIC). A publication (Tavtigian_2006) also reported co-occurrence with an unspecified deleterious BRCA1 variant in six samples. (Presence of a variant in trans with another deleterious variant in BRCA1 is a definite evidence of benign outcome and thus it is very likely that the reported co-occurrence information is in line with this notion.) Studies presenting multifactorial probability based models report the variant as a neutral variant (Easton_2007, Lindor_2012). In addition, multiple reputable databases/clinical diagnostic laboratories have classified the variant as neutral/likely benign/benign. Taken together, this variant is classified as Benign.

Ambry Genetics
Classification: Benign for Hereditary cancer-predisposing syndrome. Last evaluated: 2014-11-18. Review status: criteria provided, single submitter. Criteria: Ambry Variant Classification Scheme 2023. Collection method: clinical testing. Allele origin: germline. Not counted in ClinVar's aggregate classification.

NM_007294.4(BRCA1):c.1511G>A (p.Arg504His)

Gene: BRCA1 (BRCA1 DNA repair associated; minus strand). Cytogenetic location: 17q21.31.
Variant type: single nucleotide variant.
Coding change: c.1511G>A on transcript NM_007294.4 (MANE Select); coding-DNA position 1511, G replaced by A.
Protein change: p.Arg504His; replaces arginine 504 with histidine.
Molecular consequence: missense variant. On other transcripts: intron variant (137).
Genome position (GRCh38, 1-based): chr17:43,094,020, C>T on the plus strand (G>A on the coding strand, the complement: BRCA1 is on the minus strand). VCF-style: chr17-43094020-C-T. GRCh37 (hg19) VCF-style: chr17-41246037-C-T.
Other names: p.R504H:CGT>CAT; 1630G>A; NP_009225.1:p.Arg504His; c.1511G>A (NM_007300.3); c.1298G>A, p.Arg433His (NM_001407571.1, NM_001407915.1, NM_001407853.1 and 9 more transcripts); c.1511G>A, p.Arg504His (NM_001407581.1, NM_001407582.1, NM_001407583.1 and 30 more transcripts); c.1508G>A, p.Arg503His (NM_001407587.1, NM_001407590.1, NM_001407591.1 and 22 more transcripts); c.1385G>A, p.Arg462His (NM_001407649.1, NM_001407670.1, NM_001407671.1 and 11 more transcripts); and 44 more; short protein forms R504H, R457H, R415H, R433H, R434H, R456H, R463H, R208H.
Identifiers: ClinVar variation 54278 (VCV000054278.78), dbSNP rs56272539, ClinGen allele CA352222.
Genomic context (GRCh38, chr17:43,094,020, plus strand): 5'-GCCAAATCTGCTTTCTTGATAAAATCCTCAGGATGAAGGCCTGATGTAGGTCTCCTTTTA[C>T]GCTTTAATTTATTTGTGAGGGGACGCTCTTGTATTATCTGTGGCTCAGTAACAAATGCTC-3'
Protein context (NP_009225.1, residues 494-514): QERPLTNKLK[Arg504His]KRRPTSGLHP